The following is an entry in ClinVar:

ClinVar aggregate classification (germline): Likely pathogenic (0 of 4 stars; one submission).

Conditions:
NEK1-related disorder. Also called: NEK1-related condition.

Submission:

PreventionGenetics, part of Exact Sciences
Classification: Likely pathogenic for NEK1-related condition. Last evaluated: 2024-02-03. Review status: no assertion criteria provided. Collection method: clinical testing. Allele origin: germline.
Comment: The NEK1 c.323G>A variant is predicted to result in premature protein termination (p.Trp108*). To our knowledge, this variant has not been reported in the literature or in a large population database, indicating this variant is rare. Nonsense variants in NEK1 are expected to be pathogenic. This variant is interpreted as likely pathogenic.

NM_001199397.3(NEK1):c.323G>A (p.Trp108Ter)

Gene: NEK1 (NIMA related kinase 1; minus strand). Cytogenetic location: 4q33.
Variant type: single nucleotide variant.
Coding change: c.323G>A on transcript NM_001199397.3 (MANE Select); coding-DNA position 323, G replaced by A.
Protein change: p.Trp108Ter; replaces tryptophan 108 with a stop codon.
Molecular consequence: nonsense. On other transcripts: non-coding transcript variant (2).
Genome position (GRCh38, 1-based): chr4:169,590,799, C>T on the plus strand (G>A on the coding strand, the complement: NEK1 is on the minus strand). VCF-style: chr4-169590799-C-T. GRCh37 (hg19) VCF-style: chr4-170511950-C-T.
Other names: c.323G>A, p.Trp108Ter (NM_001199398.3, NM_001199399.3, NM_001199400.3 and 7 more transcripts); short protein forms W108*.
Identifiers: ClinVar variation 3061411 (VCV003061411.2), dbSNP rs1469219144, ClinGen allele CA358741685.